The following is an entry in ClinVar:

NM_001369.3(DNAH5):c.6332G>A (p.Arg2111His)

Gene: DNAH5 (dynein axonemal heavy chain 5; minus strand). Cytogenetic location: 5p15.2.
Variant type: single nucleotide variant.
Coding change: c.6332G>A on transcript NM_001369.3 (MANE Select); coding-DNA position 6332, G replaced by A.
Protein change: p.Arg2111His; replaces arginine 2111 with histidine.
Molecular consequence: missense variant.
Genome position (GRCh38, 1-based): chr5:13,829,622, C>T on the plus strand (G>A on the coding strand, the complement: DNAH5 is on the minus strand). VCF-style: chr5-13829622-C-T. GRCh37 (hg19) VCF-style: chr5-13829731-C-T.
Other names: short protein forms R2111H.
Identifiers: ClinVar variation 1914438 (VCV001914438.2), dbSNP rs946204829, ClinGen allele CA113937714.

ClinVar aggregate classification (germline): Uncertain significance (1 of 4 stars; one submission).

Conditions:
Primary ciliary dyskinesia. Also called: Ciliary dyskinesia. Identifiers: Orphanet 244, MedGen C0008780, MONDO:0016575, HP:0012265.

Allele frequency attached by ClinVar (database versions not stated): gnomAD 0.00001; TOPMed 0.00002; gnomAD exomes 0.00003.
gnomAD v4.1: 38 of 1,614,050 alleles (0.0024%); highest among the groups gnomAD compares: African/African-American, 0.0053%; no homozygotes.

Submission:

Labcorp Genetics (formerly Invitae), Labcorp
Classification: Uncertain significance for Primary ciliary dyskinesia. Last evaluated: 2021-09-07. Review status: criteria provided, single submitter. Criteria: Invitae Variant Classification Sherloc (09022015). Collection method: clinical testing. Allele origin: germline.
Comment: This sequence change replaces arginine with histidine at codon 2111 of the DNAH5 protein (p.Arg2111His). The arginine residue is highly conserved and there is a small physicochemical difference between arginine and histidine. This variant is not present in population databases (ExAC no frequency). This variant has not been reported in the literature in individuals affected with DNAH5-related conditions. Algorithms developed to predict the effect of missense changes on protein structure and function are either unavailable or do not agree on the potential impact of this missense change (SIFT: "Deleterious"; PolyPhen-2: "Possibly Damaging"; Align-GVGD: "Class C0"). In summary, the available evidence is currently insufficient to determine the role of this variant in disease. Therefore, it has been classified as a Variant of Uncertain Significance.